The following is an entry in ClinVar:

NM_015202.5(KATNIP):c.4280G>A (p.Arg1427Gln)

Gene: KATNIP (katanin interacting protein; plus strand). Cytogenetic location: 16p12.1.
Variant type: single nucleotide variant.
Coding change: c.4280G>A on transcript NM_015202.5 (MANE Select); coding-DNA position 4280, G replaced by A.
Protein change: p.Arg1427Gln; replaces arginine 1427 with glutamine.
Molecular consequence: missense variant.
Genome position (GRCh38, 1-based): chr16:27,773,180, G>A. VCF-style: chr16-27773180-G-A. GRCh37 (hg19) VCF-style: chr16-27784501-G-A.
Other names: short protein forms R1427Q.
Identifiers: ClinVar variation 1908109 (VCV001908109.3), dbSNP rs768882912, ClinGen allele CA7978566.

ClinVar aggregate classification (germline): Uncertain significance (1 of 4 stars; one submission).

Allele frequency attached by ClinVar (database versions not stated): ExAC 0.00004; gnomAD exomes 0.00001; TOPMed 0.00001.
gnomAD v4.1: 13 of 1,611,504 alleles (0.00081%); highest among the groups gnomAD compares: South Asian, 0.0033%; no homozygotes.

Submission:

Labcorp Genetics (formerly Invitae), Labcorp
Classification: Uncertain significance. Last evaluated: 2022-06-25. Review status: criteria provided, single submitter. Criteria: Invitae Variant Classification Sherloc (09022015). Collection method: clinical testing. Allele origin: germline.
Comment: In summary, the available evidence is currently insufficient to determine the role of this variant in disease. Therefore, it has been classified as a Variant of Uncertain Significance. Algorithms developed to predict the effect of missense changes on protein structure and function output the following: SIFT: "Tolerated"; PolyPhen-2: "Benign"; Align-GVGD: "Class C0". The glutamine amino acid residue is found in multiple mammalian species, which suggests that this missense change does not adversely affect protein function. This variant has not been reported in the literature in individuals affected with KIAA0556-related conditions. This variant is present in population databases (rs768882912, gnomAD 0.006%). This sequence change replaces arginine, which is basic and polar, with glutamine, which is neutral and polar, at codon 1427 of the KIAA0556 protein (p.Arg1427Gln).